The following is an entry in ClinVar:

NM_005045.4(RELN):c.3085A>G (p.Ile1029Val)

Gene: RELN (reelin; minus strand). Cytogenetic location: 7q22.1.
Variant type: single nucleotide variant.
Coding change: c.3085A>G on transcript NM_005045.4 (MANE Select); coding-DNA position 3085, A replaced by G.
Protein change: p.Ile1029Val; replaces isoleucine 1029 with valine.
Molecular consequence: missense variant.
Genome position (GRCh38, 1-based): chr7:103,604,407, T>C on the plus strand (A>G on the coding strand, the complement: RELN is on the minus strand). VCF-style: chr7-103604407-T-C. GRCh37 (hg19) VCF-style: chr7-103244854-T-C.
Other names: c.3085A>G, p.Ile1029Val (NM_173054.3); short protein forms I1029V.
Identifiers: ClinVar variation 1705085 (VCV001705085.1), dbSNP rs1304277539, ClinGen allele CA368763766.
Genomic context (GRCh38, chr7:103,604,407, plus strand): 5'-TGCATATGCCATGATCGCATGAGCCATGCCCACTGCACATGTTGGGGCACTGCTGCCCAA[T>C]GTAAATGCTGTCCAAAGCCCACTCGTCTTGAGCTGTGTAATAGCTCTGGCTCCAGCGGAA-3'
Protein context (NP_005036.2, residues 1019-1039): QDEWALDSIY[Ile1029Val]GQQCPNMCSG

ClinVar aggregate classification (germline): Uncertain significance (1 of 4 stars; one submission).

Allele frequency attached by ClinVar (database versions not stated): gnomAD exomes below 0.00001.
gnomAD v4.1: 4 of 1,613,954 alleles (0.00025%); highest among the groups gnomAD compares: South Asian, 0.0011%; no homozygotes.

Submission:

Women's Health and Genetics/Laboratory Corporation of America, LabCorp
Classification: Uncertain significance. Last evaluated: 2022-08-12. Review status: criteria provided, single submitter. Criteria: LabCorp Variant Classification Summary - May 2015. Collection method: clinical testing. Allele origin: germline.
Comment: Variant summary: RELN c.3085A>G (p.Ile1029Val) results in a conservative amino acid change in the encoded protein sequence. Three of four in-silico tools predict a benign effect of the variant on protein function. The variant was absent in 250840 control chromosomes (gnomAD). The available data on variant occurrences in the general population are insufficient to allow any conclusion about variant significance. To our knowledge, no occurrence of c.3085A>G in individuals affected with Epilepsy Familial Temporal Lobe 7 and no experimental evidence demonstrating its impact on protein function have been reported. No clinical diagnostic laboratories have submitted clinical-significance assessments for this variant to ClinVar after 2014. Based on the evidence outlined above, the variant was classified as uncertain significance.